The following is an entry in ClinVar:

ClinVar aggregate classification (germline): Uncertain significance (1 of 4 stars; one submission).

Submission:

GeneDx
Classification: Uncertain significance. Last evaluated: 2025-07-03. Review status: criteria provided, single submitter. Criteria: GeneDx Variant Classification Process June 2021. Collection method: clinical testing. Allele origin: germline. Affected: yes.
Comment: Not observed at significant frequency in large population cohorts (gnomAD); In silico analysis supports that this missense variant has a deleterious effect on protein structure/function; Has not been previously published as pathogenic or benign to our knowledge

NM_001394062.1(MACF1):c.15877G>A (p.Gly5293Ser)

Gene: MACF1 (microtubule actin crosslinking factor 1; plus strand). Cytogenetic location: 1p34.3.
Variant type: single nucleotide variant.
Coding change: c.15877G>A on transcript NM_001394062.1 (MANE Select); coding-DNA position 15877, G replaced by A.
Protein change: p.Gly5293Ser; replaces glycine 5293 with serine.
Molecular consequence: missense variant.
Genome position (GRCh38, 1-based): chr1:39,422,434, G>A. VCF-style: chr1-39422434-G-A. GRCh37 (hg19) VCF-style: chr1-39888106-G-A.
Other names: c.4273G>A, p.Gly1425Ser (NM_001397473.1); c.9691G>A, p.Gly3231Ser (NM_012090.5); short protein forms G1425S, G3231S, G5293S.
Identifiers: ClinVar variation 4685129 (VCV004685129.1).
Genomic context (GRCh38, chr1:39,422,434, plus strand): 5'-ATGTTTCAGAAAGAACAAGTGGATCCTCTTCAGATGAAATTGCAGCAGGTGAATGGACTT[G>A]GCCAGGGATTAATTCAGAGTGCAGGAAAAGACTGTGATGTACAGGGTTTAGAACATGACA-3'
Protein context (NP_001380991.1, residues 5283-5303): QMKLQQVNGL[Gly5293Ser]QGLIQSAGKD